The following is an entry in ClinVar:

ClinVar aggregate classification (germline): Uncertain significance. Review status: criteria provided, multiple submitters, no conflicts (2 of 4 stars). 2 submissions from 2 submitters: Uncertain significance (2). Last evaluated 2025-07-24.

Conditions:
Inborn genetic diseases. Identifiers: MedGen C0950123, MeSH D030342.
DYNC2I1-related disorder. Also called: DYNC2I1-related condition.

gnomAD v4.1: 82 of 1,589,350 alleles (0.0052%); highest among the groups gnomAD compares: African/African-American, 0.063%; no homozygotes.

Submissions (2):

PreventionGenetics, part of Exact Sciences
Classification: Uncertain significance for DYNC2I1-related condition. Last evaluated: 2025-07-24. Review status: criteria provided, single submitter. Criteria: ACMG Guidelines, 2015. Collection method: clinical testing. Allele origin: germline.
Comment: The DYNC2I1 c.214G>A variant is predicted to result in the amino acid substitution p.Glu72Lys. To our knowledge, this variant has not been reported in the literature. This variant is reported in 0.062% of alleles in individuals of African descent in gnomAD. Although we suspect that this variant may be benign, at this time, the clinical significance of this variant is uncertain due to the absence of conclusive functional and genetic evidence.

Ambry Genetics
Classification: Uncertain significance for Inborn genetic diseases. Last evaluated: 2024-10-31. Review status: criteria provided, single submitter. Criteria: Ambry Variant Classification Scheme 2023. Collection method: clinical testing. Allele origin: germline.

NM_018051.5(DYNC2I1):c.214G>A (p.Glu72Lys)

Gene: DYNC2I1 (dynein 2 intermediate chain 1; plus strand). Cytogenetic location: 7q36.3.
Variant type: single nucleotide variant.
Coding change: c.214G>A on transcript NM_018051.5 (MANE Select); coding-DNA position 214, G replaced by A.
Protein change: p.Glu72Lys; replaces glutamic acid 72 with lysine.
Molecular consequence: missense variant. On other transcripts: 5 prime UTR variant (4).
Genome position (GRCh38, 1-based): chr7:158,871,286, G>A. VCF-style: chr7-158871286-G-A. GRCh37 (hg19) VCF-style: chr7-158663977-G-A.
Other names: c.-1153G>A (NM_001350917.2); c.-1272G>A (NM_001350918.2); c.76G>A, p.Glu26Lys (NM_001350914.2); c.-304G>A (NM_001350915.2); c.-1145G>A (NM_001350916.2); short protein forms E26K, E72K.
Identifiers: ClinVar variation 3506089 (VCV003506089.2).